The following is an entry in ClinVar:

NM_000268.4(NF2):c.508C>T (p.Pro170Ser)

Gene: NF2 (NF2, moesin-ezrin-radixin like (MERLIN) tumor suppressor; plus strand). Cytogenetic location: 22q12.2.
Variant type: single nucleotide variant.
Coding change: c.508C>T on transcript NM_000268.4 (MANE Select); coding-DNA position 508, C replaced by T.
Protein change: p.Pro170Ser; replaces proline 170 with serine.
Molecular consequence: missense variant. On other transcripts: 5 prime UTR variant (1), intron variant (1).
Genome position (GRCh38, 1-based): chr22:29,654,717, C>T. VCF-style: chr22-29654717-C-T. GRCh37 (hg19) VCF-style: chr22-30050706-C-T.
Other names: c.394C>T, p.Pro132Ser (NM_001407053.1, NM_001407056.1); c.385C>T, p.Pro129Ser (NM_001407054.1, NM_001407058.1, NM_001407062.1 and 1 more transcripts); c.382C>T, p.Pro128Ser (NM_001407055.1, NM_181828.3); c.508C>T, p.Pro170Ser (NM_001407057.1, NM_001407059.1, NM_001407060.1 and 4 more transcripts); c.259C>T, p.Pro87Ser (NM_001407063.1, NM_001407064.1, NM_181830.3 and 1 more transcripts); c.-133C>T (NM_001407065.1); c.277C>T, p.Pro93Ser (NM_001407067.1); c.447+12432C>T (NM_181833.3); short protein forms P128S, P129S, P132S, P170S, P87S, P93S.
Identifiers: ClinVar variation 3071805 (VCV003071805.1), dbSNP rs2146967365, ClinGen allele CA411142244.

ClinVar aggregate classification (germline): Uncertain significance (1 of 4 stars; one submission).

Conditions:
Neurofibromatosis, type 2 (SWNV). Also called: BILATERAL ACOUSTIC NEUROFIBROMATOSIS; NF2-Related Schwannomatosis; SCHWANNOMATOSIS, VESTIBULAR. Identifiers: Orphanet 637, MedGen C0027832, MONDO:0007039, OMIM 101000. Disease mechanism: loss of function.

Submission:

All of Us Research Program, National Institutes of Health
Classification: Uncertain significance for Neurofibromatosis, type 2. Last evaluated: 2023-06-26. Review status: criteria provided, single submitter. Criteria: ACMG Guidelines, 2015. Collection method: clinical testing. Allele origin: germline. Inheritance: Autosomal dominant inheritance. Observed: 1 variant allele, 1 heterozygote.
Comment: This missense variant replaces proline with serine at codon 170 of the NF2 protein. Computational prediction suggests that this variant may have deleterious impact on protein structure and function (internally defined REVEL score threshold >= 0.7, PMID: 27666373). To our knowledge, functional studies have not been reported for this variant. This variant has not been reported in individuals affected with NF2-related disorders in the literature. This variant has not been identified in the general population by the Genome Aggregation Database (gnomAD). The available evidence is insufficient to determine the role of this variant in disease conclusively. Therefore, this variant is classified as a Variant of Uncertain Significance.

This study involves interpretation of variants in research participants for the purpose of population health screening. Participant phenotype was not available at the time of variant classification. Additional details can be found in publication PMID: 35346344, PMCID: PMC8962531